The following is an entry in ClinVar:

ClinVar aggregate classification (germline): Conflicting classifications of pathogenicity. Review status: criteria provided, conflicting classifications (1 of 4 stars). 3 submissions from 3 submitters: Uncertain significance (1); Likely benign (2). Last evaluated 2025-08-26.

Conditions:
Inborn genetic diseases. Identifiers: MedGen C0950123, MeSH D030342.

Allele frequency attached by ClinVar (database versions not stated): gnomAD 0.00006; TOPMed 0.00003; gnomAD exomes 0.00006; ExAC 0.00012.

Submissions (3):

Labcorp Genetics (formerly Invitae), Labcorp
Classification: Likely benign. Last evaluated: 2025-08-26. Review status: criteria provided, single submitter. Criteria: Invitae Variant Classification Sherloc (09022015). Collection method: clinical testing. Allele origin: germline.

Ambry Genetics
Classification: Likely benign for Inborn genetic diseases. Last evaluated: 2024-12-10. Review status: criteria provided, single submitter. Criteria: Ambry Variant Classification Scheme 2023. Collection method: clinical testing. Allele origin: germline.

GeneDx
Classification: Uncertain significance. Last evaluated: 2024-09-04. Review status: criteria provided, single submitter. Criteria: GeneDx Variant Classification Process June 2021. Collection method: clinical testing. Allele origin: germline. Affected: yes.
Comment: In silico analysis indicates that this missense variant does not alter protein structure/function; Has not been previously published as pathogenic or benign to our knowledge

NM_005276.4(GPD1):c.749C>T (p.Ala250Val)

Gene: GPD1 (glycerol-3-phosphate dehydrogenase 1; plus strand). Cytogenetic location: 12q13.12.
Variant type: single nucleotide variant.
Coding change: c.749C>T on transcript NM_005276.4 (MANE Select); coding-DNA position 749, C replaced by T.
Protein change: p.Ala250Val; replaces alanine 250 with valine.
Molecular consequence: missense variant.
Genome position (GRCh38, 1-based): chr12:50,107,703, C>T. VCF-style: chr12-50107703-C-T. GRCh37 (hg19) VCF-style: chr12-50501486-C-T.
Other names: c.749C>T (NM_005276.2, NM_005276.3); c.680C>T, p.Ala227Val (NM_001257199.2); short protein forms A227V, A250V.
Identifiers: ClinVar variation 2965391 (VCV002965391.5), dbSNP rs1192364650, ClinGen allele CA6561741.